The following is an entry in ClinVar:

ClinVar aggregate classification (germline): Uncertain significance (1 of 4 stars; one submission).

Conditions:
LAMA2-related muscular dystrophy (LAMA2-RD). Also called: Laminin alpha 2-related dystrophy. Identifiers: MedGen C5679788, MONDO:0100228.

Allele frequency attached by ClinVar (database versions not stated): gnomAD exomes below 0.00001.
gnomAD v4.1: 1 of 1,613,994 alleles (0.000062%); highest among the groups gnomAD compares: Non-Finnish European, 0.000085%; no homozygotes.

Submission:

Labcorp Genetics (formerly Invitae), Labcorp
Classification: Uncertain significance for LAMA2-related muscular dystrophy. Last evaluated: 2022-08-15. Review status: criteria provided, single submitter. Criteria: Invitae Variant Classification Sherloc (09022015). Collection method: clinical testing. Allele origin: germline.
Comment: In summary, the available evidence is currently insufficient to determine the role of this variant in disease. Therefore, it has been classified as a Variant of Uncertain Significance. Advanced modeling of protein sequence and biophysical properties (such as structural, functional, and spatial information, amino acid conservation, physicochemical variation, residue mobility, and thermodynamic stability) performed at Invitae indicates that this missense variant is not expected to disrupt LAMA2 protein function. ClinVar contains an entry for this variant (Variation ID: 960125). This variant has not been reported in the literature in individuals affected with LAMA2-related conditions. This variant is not present in population databases (gnomAD no frequency). This sequence change replaces methionine, which is neutral and non-polar, with threonine, which is neutral and polar, at codon 540 of the LAMA2 protein (p.Met540Thr).

NM_000426.4(LAMA2):c.1619T>C (p.Met540Thr)

Gene: LAMA2 (laminin subunit alpha 2; plus strand). Cytogenetic location: 6q22.33.
Variant type: single nucleotide variant.
Coding change: c.1619T>C on transcript NM_000426.4 (MANE Select); coding-DNA position 1619, T replaced by C.
Protein change: p.Met540Thr; replaces methionine 540 with threonine.
Molecular consequence: missense variant.
Genome position (GRCh38, 1-based): chr6:129,192,690, T>C. VCF-style: chr6-129192690-T-C. GRCh37 (hg19) VCF-style: chr6-129513835-T-C.
Other names: c.1619T>C, p.Met540Thr (NM_001079823.2); short protein forms M540T.
Identifiers: ClinVar variation 960125 (VCV000960125.8), dbSNP rs1781592751, ClinGen allele CA365608111.